The following is an entry in ClinVar:

NM_001174147.2(LMX1B):c.1052G>A (p.Gly351Glu)

Gene: LMX1B (LIM homeobox transcription factor 1 beta; plus strand). Cytogenetic location: 9q33.3.
Variant type: single nucleotide variant.
Coding change: c.1052G>A on transcript NM_001174147.2 (MANE Select); coding-DNA position 1052, G replaced by A.
Protein change: p.Gly351Glu; replaces glycine 351 with glutamic acid.
Molecular consequence: missense variant.
Genome position (GRCh38, 1-based): chr9:126,696,294, G>A. VCF-style: chr9-126696294-G-A. GRCh37 (hg19) VCF-style: chr9-129458573-G-A.
Other names: c.1064G>A, p.Gly355Glu (NM_001174146.2); c.1031G>A, p.Gly344Glu (NM_002316.4); short protein forms G344E, G351E, G355E.
Identifiers: ClinVar variation 1060826 (VCV001060826.10), dbSNP rs2030330651, ClinGen allele CA374915979.
Genomic context (GRCh38, chr9:126,696,294, plus strand): 5'-CAGGGGGCCCCCAGGAGCCCCAGCCTGTACCCCGGTCCTGACACCCCTTCTGCCCCCCAG[G>A]GAACGACTCCATCTTCCATGACATCGACAGCGATACCTCCTTAACCAGCCTCAGCGACTG-3'
Protein context (NP_001167618.1, residues 341-361): QMPGDHMNPY[Gly351Glu]NDSIFHDIDS

ClinVar aggregate classification (germline): Uncertain significance. Review status: criteria provided, multiple submitters, no conflicts (2 of 4 stars). 2 submissions from 2 submitters: Uncertain significance (2). Last evaluated 2024-03-19.

Conditions:
Nail-patella syndrome (NPS). Also called: ONYCHOOSTEODYSPLASIA; TURNER-KIESER SYNDROME; FONG DISEASE. Identifiers: Orphanet 2614, MedGen C0027341, MONDO:0008061, OMIM 161200.
Nail-patella-like renal disease. Also called: Focal Segmental Glomerulosclerosis 10; GLOMERULAR BASEMENT MEMBRANE DISEASE, NAIL-PATELLA SYNDROME TYPE. Identifiers: Orphanet 2613, MedGen C0403548, MONDO:0009724, OMIM 256020.

Allele frequency attached by ClinVar (database versions not stated): gnomAD exomes below 0.00001; gnomAD 0.00001.
gnomAD v4.1: 2 of 1,613,878 alleles (0.00012%); highest among the groups gnomAD compares: Admixed American, 0.0033%; no homozygotes.

Submissions (2):

Fulgent Genetics
Classification: Uncertain significance for Nail-patella syndrome; Nail-patella-like renal disease. Last evaluated: 2024-03-19. Review status: criteria provided, single submitter. Criteria: ACMG Guidelines, 2015. Collection method: clinical testing. Allele origin: germline.

Labcorp Genetics (formerly Invitae), Labcorp
Classification: Uncertain significance. Last evaluated: 2020-05-08. Review status: criteria provided, single submitter. Criteria: Invitae Variant Classification Sherloc (09022015). Collection method: clinical testing. Allele origin: germline.
Comment: In summary, the available evidence is currently insufficient to determine the role of this variant in disease. Therefore, it has been classified as a Variant of Uncertain Significance. Algorithms developed to predict the effect of missense changes on protein structure and function are either unavailable or do not agree on the potential impact of this missense change (SIFT: "Deleterious"; PolyPhen-2: "Possibly Damaging"; Align-GVGD: "Class C0"). This variant has not been reported in the literature in individuals with LMX1B-related conditions. This variant is not present in population databases (ExAC no frequency). This sequence change replaces glycine with glutamic acid at codon 344 of the LMX1B protein (p.Gly344Glu). The glycine residue is highly conserved and there is a moderate physicochemical difference between glycine and glutamic acid.